The following is an entry in ClinVar:

ClinVar aggregate classification (germline): Likely benign. Review status: criteria provided, multiple submitters, no conflicts (2 of 4 stars). 3 submissions from 3 submitters: Likely benign (2). 1 of the submissions does not count toward it. Last evaluated 2025-09-16.

Conditions:
KANK1-related disorder. Also called: KANK1-related condition.
Cerebral palsy, spastic quadriplegic, 2 (CPSQ2). Identifiers: Orphanet 210141, MedGen C2752061, MONDO:0013033, OMIM 612900.

Allele frequency attached by ClinVar (database versions not stated): gnomAD exomes 0.00008 and 0.00021; ExAC 0.00020; gnomAD 0.00057 and 0.00061; ESP Exome Variant Server 0.00062; TOPMed 0.00066; 1000 Genomes Project 30x 0.00078; 1000 Genomes Project 0.00100.
gnomAD v4.1: 203 of 1,610,646 alleles (0.013%); highest among the groups gnomAD compares: African/African-American, 0.18%; no homozygotes.

Submissions (3):

Labcorp Genetics (formerly Invitae), Labcorp
Classification: Likely benign. Last evaluated: 2025-09-16. Review status: criteria provided, single submitter. Criteria: Invitae Variant Classification Sherloc (09022015). Collection method: clinical testing. Allele origin: germline.

Fulgent Genetics
Classification: Likely benign for Cerebral palsy, spastic quadriplegic, 2. Last evaluated: 2021-11-17. Review status: criteria provided, single submitter. Criteria: ACMG Guidelines, 2015. Collection method: clinical testing. Allele origin: unknown.

PreventionGenetics, part of Exact Sciences
Classification: Likely benign for KANK1-related condition. Last evaluated: 2020-01-29. Review status: no assertion criteria provided. Collection method: clinical testing. Allele origin: germline. Not counted in ClinVar's aggregate classification.
Comment: This variant is classified as likely benign based on ACMG/AMP sequence variant interpretation guidelines (Richards et al. 2015 PMID: 25741868, with internal and published modifications).

NM_015158.5(KANK1):c.3245+9C>T

Gene: KANK1 (KN motif and ankyrin repeat domains 1; plus strand). Cytogenetic location: 9p24.3.
Variant type: single nucleotide variant.
Coding change: c.3245+9C>T on transcript NM_015158.5 (MANE Select); 9 bases into the intron after coding-DNA position 3245, C replaced by T.
Molecular consequence: intron variant.
Genome position (GRCh38, 1-based): chr9:732,626, C>T. VCF-style: chr9-732626-C-T. GRCh37 (hg19) VCF-style: chr9-732626-C-T.
Other names: c.3245+9C>T (NM_001256876.3, NM_001354334.2, NM_001256877.3 and 1 more transcripts); c.2771+9C>T (NM_001354333.2, NM_001354335.2, NM_001354337.2 and 2 more transcripts); c.3005+1360C>T (NM_001354331.2); c.3191+9C>T (NM_001354332.2); c.2477+1360C>T (NM_001354336.2); c.2531+1360C>T (NM_001354339.2, NM_001354343.2, NM_001354342.2); c.2717+9C>T (NM_001354338.2, NM_001354340.2, NM_001354344.2).
Identifiers: ClinVar variation 1662495 (VCV001662495.11), dbSNP rs144003040, ClinGen allele CA4960818.